The following is an entry in ClinVar:

ClinVar aggregate classification (germline): Uncertain significance. Review status: criteria provided, multiple submitters, no conflicts (2 of 4 stars). 3 submissions from 3 submitters: Uncertain significance (3). Last evaluated 2025-07-14.

Conditions:
Malignant hyperthermia of anesthesia. Also called: Anesthesic-triggered malignant hyperthermia. Identifiers: Orphanet 423, MedGen C0024591, MONDO:0018493, HP:0034733.
Malignant hyperthermia, susceptibility to, 1 (MHS1). Also called: Malignant hyperthermia suceptibility 1; RYR1-Related Malignant Hyperthermia Susceptibility; Anesthesia related hyperthermia; Malignant hyperpyrexia; Fulminating hyperpyrexia; Pharmacogenic myopathy. Identifiers: Orphanet 423, MedGen C2930980, MONDO:0007783, OMIM 145600.

Allele frequency attached by ClinVar (database versions not stated): gnomAD exomes below 0.00001; ExAC 0.00001.

Submissions (3):

Color Diagnostics, LLC DBA Color Health
Classification: Uncertain significance for Malignant hyperthermia, susceptibility to, 1. Last evaluated: 2025-07-14. Review status: criteria provided, single submitter. Criteria: ACMG Guidelines, 2015. Collection method: clinical testing. Allele origin: germline.
Comment: This missense variant replaces methionine with threonine at codon 1475 of the RYR1 protein. Computational prediction suggests that this variant may not impact protein structure and function. To our knowledge, functional studies have not been reported for this variant. This variant has not been reported in individuals affected with RYR1-related disorders in the literature. This variant has not been identified in the general population by the Genome Aggregation Database (gnomAD). The available evidence is insufficient to determine the role of this variant in disease conclusively. Therefore, this variant is classified as a Variant of Uncertain Significance.

All of Us Research Program, National Institutes of Health
Classification: Uncertain significance for Malignant hyperthermia, susceptibility to, 1. Last evaluated: 2023-11-02. Review status: criteria provided, single submitter. Criteria: ACMG Guidelines, 2015. Collection method: clinical testing. Allele origin: germline. Inheritance: Autosomal dominant inheritance. Observed: 1 variant allele, 1 heterozygote.
Comment: This missense variant replaces methionine with threonine at codon 1475 of the RYR1 protein. Computational prediction suggests that this variant may not impact protein structure and function (internally defined REVEL score threshold <= 0.5, PMID: 27666373). To our knowledge, functional studies have not been reported for this variant. This variant has not been reported in individuals affected with RYR1-related disorders in the literature. This variant has not been identified in the general population by the Genome Aggregation Database (gnomAD). The available evidence is insufficient to determine the role of this variant in disease conclusively. Therefore, this variant is classified as a Variant of Uncertain Significance.

This study involves interpretation of variants in research participants for the purpose of population health screening. Participant phenotype was not available at the time of variant classification. Additional details can be found in publication PMID: 35346344, PMCID: PMC8962531

CSER _CC_NCGL, University of Washington
Classification: Uncertain significance for Malignant Hyperthermia. Last evaluated: 2015-03-11. Review status: criteria provided, single submitter. Criteria: Amendola et al. (Genome Res. 2015). Collection method: research. Allele origin: germline. Inheritance: Autosomal dominant inheritance. Study: CSER - NEXT Medicine variant annotation.

NM_000540.3(RYR1):c.4424T>C (p.Met1475Thr)

Gene: RYR1 (ryanodine receptor 1; plus strand). Cytogenetic location: 19q13.2.
Variant type: single nucleotide variant.
Coding change: c.4424T>C on transcript NM_000540.3 (MANE Select); coding-DNA position 4424, T replaced by C.
Protein change: p.Met1475Thr; replaces methionine 1475 with threonine.
Molecular consequence: missense variant.
Genome position (GRCh38, 1-based): chr19:38,477,840, T>C. VCF-style: chr19-38477840-T-C. GRCh37 (hg19) VCF-style: chr19-38968480-T-C.
Other names: c.4424T>C, p.Met1475Thr (NM_001042723.2); short protein forms M1475T.
Identifiers: ClinVar variation 226046 (VCV000226046.5), dbSNP rs779963151, ClinGen allele CA066036.